The following is an entry in ClinVar:

ClinVar aggregate classification (germline): Conflicting classifications of pathogenicity. Review status: criteria provided, conflicting classifications (1 of 4 stars). 3 submissions from 1 submitter: Uncertain significance (1); Likely benign (2). Last evaluated 2018-01-13.

Conditions:
Renal-hepatic-pancreatic dysplasia 1 (RHPD1). Identifiers: MedGen C3715199, MONDO:0008833, OMIM 208540.
NPHP3-related Meckel-like syndrome. Also called: GOLDSTON SYNDROME; Meckel syndrome type 7. Identifiers: Orphanet 3032, MedGen C2673885, MONDO:0009966, OMIM 267010.
Nephronophthisis 3 (NPHP3). Also called: Adolescent nephronophthisis. Identifiers: Orphanet 655, MedGen C1858392, MONDO:0011456, OMIM 604387.

Allele frequency attached by ClinVar (database versions not stated): gnomAD 0.00063; TOPMed 0.00098; 1000 Genomes Project 0.00140; 1000 Genomes Project 30x 0.00141.

Submissions (3):

Illumina Laboratory Services, Illumina
Classification: Likely benign for Renal-hepatic-pancreatic dysplasia 1. Last evaluated: 2018-01-13. Review status: criteria provided, single submitter. Criteria: ICSL Variant Classification Criteria 13 December 2019. Collection method: clinical testing. Allele origin: germline.
Comment: This variant was observed in the ICSL laboratory as part of a predisposition screen in an ostensibly healthy population. It had not been previously curated by ICSL or reported in the Human Gene Mutation Database (HGMD: prior to June 1st, 2018), and was therefore a candidate for classification through an automated scoring system. Utilizing variant allele frequency, disease prevalence and penetrance estimates, and inheritance mode, an automated score was calculated to assess if this variant is too frequent to cause the disease. Based on the score and internal cut-off values, a variant classified as likely benign is not then subjected to further curation. The score for this variant resulted in a classification of likely benign for this disease.

Illumina Laboratory Services, Illumina
Classification: Uncertain significance for NPHP3-related Meckel-like syndrome. Last evaluated: 2018-01-13. Review status: criteria provided, single submitter. Criteria: ICSL Variant Classification Criteria 13 December 2019. Collection method: clinical testing. Allele origin: germline.

Illumina Laboratory Services, Illumina
Classification: Likely benign for Nephronophthisis 3. Last evaluated: 2018-01-13. Review status: criteria provided, single submitter. Criteria: ICSL Variant Classification Criteria 13 December 2019. Collection method: clinical testing. Allele origin: germline.
Comment: the same text as in the submission from Illumina Laboratory Services, Illumina above.

NM_153240.5(NPHP3):c.*926C>T

Genes: NPHP3-ACAD11 (NPHP3-ACAD11 readthrough (NMD candidate); minus strand), NPHP3 (nephrocystin 3; minus strand). Cytogenetic location: 3q22.1.
Variant type: single nucleotide variant.
Coding change: c.*926C>T on transcript NM_153240.5 (MANE Select); 926 bases downstream of the stop codon, C replaced by T.
Molecular consequence: 3 prime UTR variant.
Genome position (GRCh38, 1-based): chr3:132,680,984, G>A on the plus strand (C>T on the coding strand, the complement: NPHP3 is on the minus strand). VCF-style: chr3-132680984-G-A. GRCh37 (hg19) VCF-style: chr3-132399828-G-A.
Identifiers: ClinVar variation 902586 (VCV000902586.4), dbSNP rs570076170, ClinGen allele CA83579420.